The following is an entry in ClinVar:

ClinVar aggregate classification (germline): Uncertain significance (1 of 4 stars; one submission).

Conditions:
Familial thoracic aortic aneurysm and aortic dissection (TAAD). Also called: Thoracic aortic aneurysms and dissections. Identifiers: Orphanet 91387, MedGen C4707243, MONDO:0019625.

Submission:

Ambry Genetics
Classification: Uncertain significance for Familial thoracic aortic aneurysm and aortic dissection. Last evaluated: 2025-04-14. Review status: criteria provided, single submitter. Criteria: Ambry Variant Classification Scheme 2023. Collection method: clinical testing. Allele origin: germline.
Comment: The p.S2280P variant (also known as c.6838T>C), located in coding exon 34 of the NOTCH1 gene, results from a T to C substitution at nucleotide position 6838. The serine at codon 2280 is replaced by proline, an amino acid with similar properties. This amino acid position is conserved. In addition, this alteration is predicted to be tolerated by in silico analysis. Based on the available evidence, the clinical significance of this variant remains unclear.

NM_017617.5(NOTCH1):c.6838T>C (p.Ser2280Pro)

Gene: NOTCH1 (notch receptor 1; minus strand). Cytogenetic location: 9q34.3.
Variant type: single nucleotide variant.
Coding change: c.6838T>C on transcript NM_017617.5 (MANE Select); coding-DNA position 6838, T replaced by C.
Protein change: p.Ser2280Pro; replaces serine 2280 with proline.
Molecular consequence: missense variant.
Genome position (GRCh38, 1-based): chr9:136,496,901, A>G on the plus strand (T>C on the coding strand, the complement: NOTCH1 is on the minus strand). VCF-style: chr9-136496901-A-G. GRCh37 (hg19) VCF-style: chr9-139391353-A-G.
Other names: short protein forms S2280P.
Identifiers: ClinVar variation 3921049 (VCV003921049.1).